The following is an entry in ClinVar:

NM_000051.4(ATM):c.3600T>A (p.Thr1200=)

Gene: ATM (ATM serine/threonine kinase; plus strand). Cytogenetic location: 11q22.3.
Variant type: single nucleotide variant.
Coding change: c.3600T>A on transcript NM_000051.4 (MANE Select); coding-DNA position 3600, T replaced by A.
Protein change: p.Thr1200=; no amino-acid change (threonine 1200 retained).
Molecular consequence: synonymous variant.
Genome position (GRCh38, 1-based): chr11:108,282,733, T>A. VCF-style: chr11-108282733-T-A. GRCh37 (hg19) VCF-style: chr11-108153460-T-A.
Other names: c.3600T>A, p.Thr1200= (NM_001351834.2).
Identifiers: ClinVar variation 3254262 (VCV003254262.1), dbSNP rs56342865.
Genomic context (GRCh38, chr11:108,282,733, plus strand): 5'-CATTTTTCTTAACACATTGACTTTTTGGTTCGTGCAGGTTTTAGAGAAAGTTTCTGAAAC[T>A]TTTGGATATAGACGTTTAGAAGACTTTATGGCATCTCATTTAGATTATCTGGTTTTGGAA-3'
Protein context (NP_000042.3, residues 1190-1210): VKKVLEKVSE[Thr1200=]FGYRRLEDFM

ClinVar aggregate classification (germline): Benign (1 of 4 stars; one submission).

Conditions:
Familial cancer of breast. Also called: BREAST CANCER, FAMILIAL; Hereditary breast cancer; hereditary breast carcinoma. Identifiers: Orphanet 227535, MedGen C0346153, MONDO:0016419, OMIM 114480. Disease mechanism: loss of function.

Submission:

Myriad Genetics, Inc.
Classification: Benign for Familial cancer of breast. Last evaluated: 2024-05-15. Review status: criteria provided, single submitter. Criteria: Myriad Autosomal Dominant, Autosomal Recessive and X-Linked Classification Criteria (2023). Collection method: clinical testing. Allele origin: unknown.
Comment: This variant is considered benign. This variant is a silent/synonymous amino acid change and it is not expected to impact splicing.